The following is an entry in ClinVar:

NM_000179.3(MSH6):c.2397G>A (p.Met799Ile)

Gene: MSH6 (mutS homolog 6; plus strand). Cytogenetic location: 2p16.3.
Variant type: single nucleotide variant.
Coding change: c.2397G>A on transcript NM_000179.3 (MANE Select); coding-DNA position 2397, G replaced by A.
Protein change: p.Met799Ile; replaces methionine 799 with isoleucine.
Molecular consequence: missense variant.
Genome position (GRCh38, 1-based): chr2:47,800,380, G>A. VCF-style: chr2-47800380-G-A. GRCh37 (hg19) VCF-style: chr2-48027519-G-A.
Other names: c.2007G>A, p.Met669Ile (NM_001281492.2); c.1491G>A, p.Met497Ile (NM_001281493.2, NM_001281494.2); short protein forms M669I, M497I, M799I.
Identifiers: ClinVar variation 937862 (VCV000937862.11), dbSNP rs1669457095, ClinGen allele CA346753896.
Genomic context (GRCh38, chr2:47,800,380, plus strand): 5'-TGCCCCACTCTGTAACCATTATGCTATTAATGATCGTCTAGATGCCATAGAAGACCTCAT[G>A]GTTGTGCCTGACAAAATCTCCGAAGTTGTAGAGCTTCTAAAGAAGCTTCCAGATCTTGAG-3'
Protein context (NP_000170.1, residues 789-809): NDRLDAIEDL[Met799Ile]VVPDKISEVV

ClinVar aggregate classification (germline): Uncertain significance. Review status: criteria provided, multiple submitters, no conflicts (2 of 4 stars). 2 submissions from 2 submitters: Uncertain significance (2). Last evaluated 2025-08-11.

Conditions:
Hereditary cancer-predisposing syndrome. Also called: Tumor predisposition; Hereditary neoplastic syndrome; Hereditary Cancer Syndrome; Neoplastic Syndromes, Hereditary. Identifiers: Orphanet 140162, MedGen C0027672, MeSH D009386, MONDO:0015356.
Hereditary nonpolyposis colorectal neoplasms. Identifiers: MedGen C0009405, MeSH D003123.

Allele frequency attached by ClinVar (database versions not stated): gnomAD exomes below 0.00001.
gnomAD v4.1: 1 of 1,614,026 alleles (0.000062%); highest among the groups gnomAD compares: Non-Finnish European, 0.000085%; no homozygotes.

Submissions (2):

Labcorp Genetics (formerly Invitae), Labcorp
Classification: Uncertain significance for Hereditary nonpolyposis colorectal neoplasms. Last evaluated: 2025-08-11. Review status: criteria provided, single submitter. Criteria: Invitae Variant Classification Sherloc (09022015). Collection method: clinical testing. Allele origin: germline.
Comment: This sequence change replaces methionine, which is neutral and non-polar, with isoleucine, which is neutral and non-polar, at codon 799 of the MSH6 protein (p.Met799Ile). This variant is not present in population databases (gnomAD no frequency). This variant has not been reported in the literature in individuals affected with MSH6-related conditions. ClinVar contains an entry for this variant (Variation ID: 937862). Invitae Evidence Modeling of protein sequence and biophysical properties (such as structural, functional, and spatial information, amino acid conservation, physicochemical variation, residue mobility, and thermodynamic stability) indicates that this missense variant is not expected to disrupt MSH6 protein function with a negative predictive value of 95%. In summary, the available evidence is currently insufficient to determine the role of this variant in disease. Therefore, it has been classified as a Variant of Uncertain Significance.

Ambry Genetics
Classification: Uncertain significance for Hereditary cancer-predisposing syndrome. Last evaluated: 2025-03-03. Review status: criteria provided, single submitter. Criteria: Ambry Variant Classification Scheme 2023. Collection method: clinical testing. Allele origin: germline.
Comment: The p.M799I variant (also known as c.2397G>A), located in coding exon 4 of the MSH6 gene, results from a G to A substitution at nucleotide position 2397. The methionine at codon 799 is replaced by isoleucine, an amino acid with highly similar properties. This amino acid position is well conserved in available vertebrate species. In addition, the in silico prediction for this alteration is inconclusive. Based on the available evidence, the clinical significance of this variant remains unclear.